The following is an entry in ClinVar:

ClinVar aggregate classification (germline): Uncertain significance (1 of 4 stars; one submission).

Allele frequency attached by ClinVar (database versions not stated): gnomAD exomes 0.00002; TOPMed 0.00002; ExAC 0.00004.
gnomAD v4.1: 11 of 1,613,330 alleles (0.00068%); highest among the groups gnomAD compares: Admixed American, 0.018%; no homozygotes.

Submission:

Labcorp Genetics (formerly Invitae), Labcorp
Classification: Uncertain significance. Last evaluated: 2022-08-05. Review status: criteria provided, single submitter. Criteria: Invitae Variant Classification Sherloc (09022015). Collection method: clinical testing. Allele origin: germline.
Comment: This sequence change replaces glutamine, which is neutral and polar, with glutamic acid, which is acidic and polar, at codon 649 of the PTPN23 protein (p.Gln649Glu). This variant is present in population databases (rs761753077, gnomAD 0.02%). This variant has not been reported in the literature in individuals affected with PTPN23-related conditions. Algorithms developed to predict the effect of missense changes on protein structure and function are either unavailable or do not agree on the potential impact of this missense change (SIFT: "Tolerated"; PolyPhen-2: "Not Available"; Align-GVGD: "Class C0"). In summary, the available evidence is currently insufficient to determine the role of this variant in disease. Therefore, it has been classified as a Variant of Uncertain Significance.

NM_015466.4(PTPN23):c.1945C>G (p.Gln649Glu)

Gene: PTPN23 (protein tyrosine phosphatase non-receptor type 23; plus strand). Cytogenetic location: 3p21.31.
Variant type: single nucleotide variant.
Coding change: c.1945C>G on transcript NM_015466.4 (MANE Select); coding-DNA position 1945, C replaced by G.
Protein change: p.Gln649Glu; replaces glutamine 649 with glutamic acid.
Molecular consequence: missense variant.
Genome position (GRCh38, 1-based): chr3:47,409,564, C>G. VCF-style: chr3-47409564-C-G. GRCh37 (hg19) VCF-style: chr3-47451054-C-G.
Other names: c.1567C>G, p.Gln523Glu (NM_001304482.2); short protein forms Q649E, Q523E.
Identifiers: ClinVar variation 2170143 (VCV002170143.1), dbSNP rs761753077, ClinGen allele CA2365863.